The following is an entry in ClinVar:

NM_004407.4(DMP1):c.136-3C>G

Genes: DMP1 (dentin matrix acidic phosphoprotein 1; plus strand), DMP1-AS1 (DMP1 and DSPP antisense RNA 1; minus strand). Cytogenetic location: 4q22.1.
Variant type: single nucleotide variant.
Coding change: c.136-3C>G on transcript NM_004407.4 (MANE Select); 3 bases into the intron before coding-DNA position 136, C replaced by G.
Molecular consequence: intron variant.
Genome position (GRCh38, 1-based): chr4:87,659,428, C>G. VCF-style: chr4-87659428-C-G. GRCh37 (hg19) VCF-style: chr4-88580580-C-G.
Other names: c.135+176C>G (NM_001079911.3).
Identifiers: ClinVar variation 2003774 (VCV002003774.2), dbSNP rs192211990, ClinGen allele CA3001966.

ClinVar aggregate classification (germline): Uncertain significance (1 of 4 stars; one submission).

Allele frequency attached by ClinVar (database versions not stated): gnomAD exomes 0.00001; ExAC 0.00002; 1000 Genomes Project 30x 0.00016; 1000 Genomes Project 0.00020.
gnomAD v4.1: 8 of 1,613,924 alleles (0.0005%); highest among the groups gnomAD compares: Admixed American, 0.013%; no homozygotes.

Submission:

Labcorp Genetics (formerly Invitae), Labcorp
Classification: Uncertain significance. Last evaluated: 2024-06-17. Review status: criteria provided, single submitter. Criteria: Invitae Variant Classification Sherloc (09022015). Collection method: clinical testing. Allele origin: germline.
Comment: This sequence change falls in intron 4 of the DMP1 gene. It does not directly change the encoded amino acid sequence of the DMP1 protein. It affects a nucleotide within the consensus splice site. This variant is present in population databases (rs192211990, gnomAD 0.02%). This variant has not been reported in the literature in individuals affected with DMP1-related conditions. ClinVar contains an entry for this variant (Variation ID: 2003774). Variants that disrupt the consensus splice site are a relatively common cause of aberrant splicing (PMID: 17576681, 9536098). Algorithms developed to predict the effect of sequence changes on RNA splicing suggest that this variant may disrupt the consensus splice site. In summary, the available evidence is currently insufficient to determine the role of this variant in disease. Therefore, it has been classified as a Variant of Uncertain Significance.

Literature cited by the submitters: PubMed 17576681; PubMed 9536098.